The following is an entry in ClinVar:

NM_000016.6(ACADM):c.554T>C (p.Ile185Thr)

Gene: ACADM (acyl-CoA dehydrogenase medium chain; plus strand). Cytogenetic location: 1p31.1.
Variant type: single nucleotide variant.
Coding change: c.554T>C on transcript NM_000016.6 (MANE Select); coding-DNA position 554, T replaced by C.
Protein change: p.Ile185Thr; replaces isoleucine 185 with threonine.
Molecular consequence: missense variant. On other transcripts: 5 prime UTR variant (1).
Genome position (GRCh38, 1-based): chr1:75,740,065, T>C. VCF-style: chr1-75740065-T-C. GRCh37 (hg19) VCF-style: chr1-76205750-T-C.
Other names: c.566T>C, p.Ile189Thr (NM_001127328.3); c.446T>C, p.Ile149Thr (NM_001286042.2); c.653T>C, p.Ile218Thr (NM_001286043.2); c.-14T>C (NM_001286044.2); c.554T>C (NM_000016.5); short protein forms I149T, I185T, I189T, I218T.
Identifiers: ClinVar variation 1076157 (VCV001076157.13), dbSNP rs1647480996, ClinGen allele CA340815311.

ClinVar aggregate classification (germline): Conflicting classifications of pathogenicity. Review status: criteria provided, conflicting classifications (1 of 4 stars). 5 submissions from 5 submitters: Pathogenic (2); Likely pathogenic (2); Uncertain significance (1). Last evaluated 2025-09-08.

Conditions:
Medium-chain acyl-coenzyme A dehydrogenase deficiency (ACADMD). Also called: Medium chain acyl-CoA dehydrogenase deficiency; MCADH DEFICIENCY; CARNITINE DEFICIENCY SECONDARY TO MEDIUM-CHAIN ACYL-CoA DEHYDROGENASE DEFICIENCY; MCAD Deficiency; ACADM DEFICIENCY; MCADD. Identifiers: Orphanet 42, MedGen C0220710, MONDO:0008721, OMIM 201450.

Allele frequency attached by ClinVar (database versions not stated): gnomAD exomes below 0.00001.
gnomAD v4.1: 5 of 1,612,582 alleles (0.00031%); highest among the groups gnomAD compares: Non-Finnish European, 0.00042%; no homozygotes.

Submissions (5):

Natera, Inc.
Classification: Pathogenic for Medium Chain Acyl-CoA Dehydrogenase Deficiency. Last evaluated: 2025-09-08. Review status: criteria provided, single submitter. Criteria: Natera Variant Classification Schema (03/2026). Collection method: clinical testing. Allele origin: germline.
Comment: The c.554T>C variant in ACADM is a missense variant predicted to cause substitution of isoleucine to threonine at amino acid 185. This variant is rare in the general population with a frequency below the threshold expected for the associated phenotype(s). This variant has been observed in one or more individuals affected with the associated recessive disease, as either homozygous or compound heterozygous with a second variant (PMID: 20434380). Functional studies show that this variant may disrupt protein function (PMID: 20434380). A different variant at the same position has been determined to be Pathogenic or Likely Pathogenic. Computational prediction algorithms indicate this variant is likely to affect gene or protein function. Given the available evidence, this variant is classified as Pathogenic.

Myriad Genetics, Inc.
Classification: Uncertain significance for Medium-chain acyl-coenzyme A dehydrogenase deficiency. Last evaluated: 2025-07-24. Review status: criteria provided, single submitter. Criteria: Myriad Autosomal Dominant, Autosomal Recessive and X-Linked Classification Criteria (2023). Collection method: clinical testing. Allele origin: unknown.
Comment: NM_000016.4(ACADM):c.554T>C(I185T) is a missense variant classified as a variant of uncertain significance in the context of medium-chain acyl-CoA dehydrogenase deficiency. I185T has been observed in cases with relevant disease (PMID: 20434380). Relevant functional assessments of this variant are not available in the literature. I185T has not been observed in referenced population frequency databases. In summary, there is insufficient evidence to classify NM_000016.4(ACADM):c.554T>C(I185T) as pathogenic or benign. Please note: this variant was assessed in the context of healthy population screening.

Fulgent Genetics
Classification: Likely pathogenic for Medium-chain acyl-coenzyme A dehydrogenase deficiency. Last evaluated: 2024-02-02. Review status: criteria provided, single submitter. Criteria: ACMG Guidelines, 2015. Collection method: clinical testing. Allele origin: germline.

Baylor Genetics
Classification: Likely pathogenic for Medium-chain acyl-coenzyme A dehydrogenase deficiency. Last evaluated: 2023-05-30. Review status: criteria provided, single submitter. Criteria: ACMG Guidelines, 2015. Collection method: clinical testing. Allele origin: unknown.

Labcorp Genetics (formerly Invitae), Labcorp
Classification: Pathogenic for Medium-chain acyl-coenzyme A dehydrogenase deficiency. Last evaluated: 2023-01-22. Review status: criteria provided, single submitter. Criteria: Invitae Variant Classification Sherloc (09022015). Collection method: clinical testing. Allele origin: germline.
Comment: For these reasons, this variant has been classified as Pathogenic. Advanced modeling of protein sequence and biophysical properties (such as structural, functional, and spatial information, amino acid conservation, physicochemical variation, residue mobility, and thermodynamic stability) performed at Invitae indicates that this missense variant is expected to disrupt ACADM protein function. ClinVar contains an entry for this variant (Variation ID: 1076157). This missense change has been observed in individual(s) with medium-chain acyl-coenzyme A dehydrogenase deficiency (PMID: 20434380). In at least one individual the data is consistent with being in trans (on the opposite chromosome) from a pathogenic variant. This variant is not present in population databases (gnomAD no frequency). This sequence change replaces isoleucine, which is neutral and non-polar, with threonine, which is neutral and polar, at codon 185 of the ACADM protein (p.Ile185Thr).

Literature cited by the submitters: PubMed 20434380 (cited by 3 submitters).